The following is an entry in ClinVar:

ClinVar aggregate classification (germline): Uncertain significance (1 of 4 stars; one submission).

Conditions:
BSN-related disorder. Also called: BSN-related condition.

Submission:

PreventionGenetics, part of Exact Sciences
Classification: Uncertain significance for BSN-related condition. Last evaluated: 2024-11-05. Review status: criteria provided, single submitter. Criteria: ACMG Guidelines, 2015. Collection method: clinical testing. Allele origin: germline.
Comment: The BSN c.1243G>A variant is predicted to result in the amino acid substitution p.Glu415Lys. To our knowledge, this variant has not been reported in the literature or in a large population database (gnomAD), indicating this variant is rare. At this time, the clinical significance of this variant is uncertain due to the absence of conclusive functional and genetic evidence.

NM_003458.4(BSN):c.1243G>A (p.Glu415Lys)

Gene: BSN (bassoon presynaptic cytomatrix protein; plus strand). Cytogenetic location: 3p21.31.
Variant type: single nucleotide variant.
Coding change: c.1243G>A on transcript NM_003458.4 (MANE Select); coding-DNA position 1243, G replaced by A.
Protein change: p.Glu415Lys; replaces glutamic acid 415 with lysine.
Molecular consequence: missense variant.
Genome position (GRCh38, 1-based): chr3:49,642,877, G>A. VCF-style: chr3-49642877-G-A. GRCh37 (hg19) VCF-style: chr3-49680310-G-A.
Other names: short protein forms E415K.
Identifiers: ClinVar variation 4997060 (VCV004997060.1).
Genomic context (GRCh38, chr3:49,642,877, plus strand): 5'-GCTGGCCCAAAACCCTTGGGCTCAGGGCCCGGGCCTGGGCCAGCACCTGGAGCCAAAACT[G>A]AGCCTGGGGCTAGAATGGGTCCTGGATCTGGACCTGGAGCCCTGCCGAAAACTGGGGGAA-3'
Protein context (NP_003449.2, residues 405-425): GPGPAPGAKT[Glu415Lys]PGARMGPGSG